The following is an entry in ClinVar:

NM_004999.4(MYO6):c.*3632T>G

Gene: MYO6 (myosin VI; plus strand). Cytogenetic location: 6q14.1.
Variant type: single nucleotide variant.
Coding change: c.*3632T>G on transcript NM_004999.4 (MANE Select); 3632 bases downstream of the stop codon, T replaced by G.
Molecular consequence: 3 prime UTR variant. On other transcripts: non-coding transcript variant (1).
Genome position (GRCh38, 1-based): chr6:75,918,644, T>G. VCF-style: chr6-75918644-T-G. GRCh37 (hg19) VCF-style: chr6-76628361-T-G.
Other names: c.*3632T>G (NM_001300899.2, NM_001368136.1, NM_001368137.1 and 3 more transcripts).
Identifiers: ClinVar variation 358047 (VCV000358047.6), dbSNP rs9443200, ClinGen allele CA10627655.
Genomic context (GRCh38, chr6:75,918,644, plus strand): 5'-GGCATTCTGTACATAAGCCTCATGGAAGGGTAAGATGGAGAGACTGGCAGAAGTAGCACC[T>G]ACTCTGCTGGGAGCACTTCTCTGAGTACGCTTTAGTTCAATTCAAATCACTGTATTCTTT-3'

ClinVar aggregate classification (germline): Conflicting classifications of pathogenicity. Review status: criteria provided, conflicting classifications (1 of 4 stars). 3 submissions from 2 submitters: Uncertain significance (1); Benign (1); Likely benign (1). Last evaluated 2021-05-25.

Conditions:
Autosomal recessive nonsyndromic hearing loss 37. Identifiers: Orphanet 90636, MedGen C1843028, MONDO:0011912, OMIM 607821.
Autosomal dominant nonsyndromic hearing loss 22. Also called: Autosomal dominant nonsyndromic deafness 22; DFNA 22. Identifiers: Orphanet 228012, MedGen C2931767, MONDO:0011660, OMIM 606346.

Allele frequency attached by ClinVar (database versions not stated): 1000 Genomes Project 0.00779; 1000 Genomes Project 30x 0.00890; gnomAD 0.01023 and 0.01093; TOPMed 0.01115.

Submissions (3):

GeneDx
Classification: Likely benign. Last evaluated: 2021-05-25. Review status: criteria provided, single submitter. Criteria: GeneDx Variant Classification Process June 2021. Collection method: clinical testing. Allele origin: germline. Affected: yes.

Illumina Laboratory Services, Illumina
Classification: Uncertain significance for Autosomal recessive nonsyndromic hearing loss 37. Last evaluated: 2018-01-13. Review status: criteria provided, single submitter. Criteria: ICSL Variant Classification Criteria 13 December 2019. Collection method: clinical testing. Allele origin: germline.

Illumina Laboratory Services, Illumina
Classification: Benign for Autosomal dominant nonsyndromic hearing loss 22. Last evaluated: 2018-01-13. Review status: criteria provided, single submitter. Criteria: ICSL Variant Classification Criteria 13 December 2019. Collection method: clinical testing. Allele origin: germline.
Comment: This variant was observed in the ICSL laboratory as part of a predisposition screen in an ostensibly healthy population. It had not been previously curated by ICSL or reported in the Human Gene Mutation Database (HGMD: prior to June 1st, 2018), and was therefore a candidate for classification through an automated scoring system. Utilizing variant allele frequency, disease prevalence and penetrance estimates, and inheritance mode, an automated score was calculated to assess if this variant is too frequent to cause the disease. Based on the score and internal cut-off values, a variant classified as benign is not then subjected to further curation. The score for this variant resulted in a classification of benign for this disease.